The following is an entry in ClinVar:

ClinVar aggregate classification (germline): Uncertain significance. Review status: criteria provided, multiple submitters, no conflicts (2 of 4 stars). 2 submissions from 2 submitters: Uncertain significance (2). Last evaluated 2025-12-08.

Conditions:
Inborn genetic diseases. Identifiers: MedGen C0950123, MeSH D030342.

Allele frequency attached by ClinVar (database versions not stated): gnomAD 0.00001; TOPMed 0.00002; ESP Exome Variant Server 0.00008.
gnomAD v4.1: 14 of 1,614,056 alleles (0.00087%); highest among the groups gnomAD compares: Admixed American, 0.0017%; no homozygotes.

Submissions (2):

Labcorp Genetics (formerly Invitae), Labcorp
Classification: Uncertain significance. Last evaluated: 2025-12-08. Review status: criteria provided, single submitter. Criteria: Invitae Variant Classification Sherloc (09022015). Collection method: clinical testing. Allele origin: germline.
Comment: This sequence change replaces aspartic acid, which is acidic and polar, with glycine, which is neutral and non-polar, at codon 720 of the HK1 protein (p.Asp720Gly). This variant is present in population databases (rs369170269, gnomAD 0.002%). This variant has not been reported in the literature in individuals affected with HK1-related conditions. ClinVar contains an entry for this variant (Variation ID: 862733). Invitae Evidence Modeling of protein sequence and biophysical properties (such as structural, functional, and spatial information, amino acid conservation, physicochemical variation, residue mobility, and thermodynamic stability) indicates that this missense variant is not expected to disrupt HK1 protein function with a negative predictive value of 80%. In summary, the available evidence is currently insufficient to determine the role of this variant in disease. Therefore, it has been classified as a Variant of Uncertain Significance.

Ambry Genetics
Classification: Uncertain significance for Inborn genetic diseases. Last evaluated: 2024-12-17. Review status: criteria provided, single submitter. Criteria: Ambry Variant Classification Scheme 2023. Collection method: clinical testing. Allele origin: germline.

NM_000188.3(HK1):c.2159A>G (p.Asp720Gly)

Gene: HK1 (hexokinase 1; plus strand). Cytogenetic location: 10q22.1.
Variant type: single nucleotide variant.
Coding change: c.2159A>G on transcript NM_000188.3 (MANE Select); coding-DNA position 2159, A replaced by G.
Protein change: p.Asp720Gly; replaces aspartic acid 720 with glycine.
Molecular consequence: missense variant.
Genome position (GRCh38, 1-based): chr10:69,392,248, A>G. VCF-style: chr10-69392248-A-G. GRCh37 (hg19) VCF-style: chr10-71152004-A-G.
Other names: c.2171A>G, p.Asp724Gly (NM_001322364.2, NM_001358263.1, NM_033497.3 and 1 more transcripts); c.2264A>G, p.Asp755Gly (NM_001322365.2); c.2075A>G, p.Asp692Gly (NM_001322366.1); c.2063A>G, p.Asp688Gly (NM_001322367.1); c.2156A>G, p.Asp719Gly (NM_033496.3); c.2123A>G, p.Asp708Gly (NM_033500.2); short protein forms D755G, D708G, D719G, D692G, D720G, D724G, D688G.
Identifiers: ClinVar variation 862733 (VCV000862733.8), dbSNP rs369170269, ClinGen allele CA209215634.